The following is an entry in ClinVar:

NM_000051.4(ATM):c.4093del (p.Leu1365fs)

Gene: ATM (ATM serine/threonine kinase; plus strand). Cytogenetic location: 11q22.3.
Variant type: Deletion.
Coding change: c.4093del on transcript NM_000051.4 (MANE Select); coding-DNA position 4093, one base deleted (C; older notation c.4093delC).
Protein change: p.Leu1365fs; shifts the reading frame from leucine 1365.
Molecular consequence: frameshift variant.
Genome position (GRCh38, 1-based): chr11:108,287,699, C deleted; the last of 2 consecutive C bases (chr11:108,287,698-108,287,699); deleting either gives the same sequence. VCF-style (leftmost placement, unchanged base first): chr11-108287697-AC-A. GRCh37 (hg19) VCF-style: chr11-108158424-AC-A.
Other names: c.4093del (NM_000051.3); c.4093delC (NM_000051.3); c.4093del, p.Leu1365fs (NM_001351834.2); short protein forms L1365fs.
Identifiers: ClinVar variation 1072739 (VCV001072739.13), dbSNP rs2135737651, ClinGen allele CA2499220629.

ClinVar aggregate classification (germline): Pathogenic. Review status: criteria provided, multiple submitters, no conflicts (2 of 4 stars). 4 submissions from 4 submitters: Pathogenic (4). Last evaluated 2025-03-11.

Conditions:
Hereditary cancer-predisposing syndrome. Also called: Neoplastic Syndromes, Hereditary; Hereditary neoplastic syndrome; Tumor predisposition; Hereditary Cancer Syndrome. Identifiers: Orphanet 140162, MedGen C0027672, MeSH D009386, MONDO:0015356.
Familial cancer of breast. Also called: BREAST CANCER, FAMILIAL; hereditary breast carcinoma; Hereditary breast cancer. Identifiers: Orphanet 227535, MedGen C0346153, MONDO:0016419, OMIM 114480. Disease mechanism: loss of function.
Ataxia-telangiectasia syndrome (AT). Also called: Cerebello-oculocutaneous telangiectasia; Immunodeficiency with ataxia telangiectasia; ATAXIA-TELANGIECTASIA, FRESNO VARIANT; Ataxia-telangiectasia, complementation group D; Ataxia telangiectasia (A-T); LOUIS-BAR SYNDROME. Identifiers: Orphanet 100, MedGen C0004135, MONDO:0008840, OMIM 208900.

Submissions (4):

Labcorp Genetics (formerly Invitae), Labcorp
Classification: Pathogenic for Ataxia-telangiectasia syndrome. Last evaluated: 2025-03-11. Review status: criteria provided, single submitter. Criteria: Invitae Variant Classification Sherloc (09022015). Collection method: clinical testing. Allele origin: germline.
Comment: This sequence change creates a premature translational stop signal (p.Leu1365Serfs*21) in the ATM gene. It is expected to result in an absent or disrupted protein product. Loss-of-function variants in ATM are known to be pathogenic (PMID: 23807571, 25614872). This variant is not present in population databases (gnomAD no frequency). This premature translational stop signal has been observed in individual(s) with pancreatic cancer (PMID: 30067863). ClinVar contains an entry for this variant (Variation ID: 1072739). For these reasons, this variant has been classified as Pathogenic.

Ambry Genetics
Classification: Pathogenic for Hereditary cancer-predisposing syndrome. Last evaluated: 2024-12-12. Review status: criteria provided, single submitter. Criteria: Ambry Variant Classification Scheme 2023. Collection method: clinical testing. Allele origin: germline.
Comment: The c.4093delC pathogenic mutation, located in coding exon 26 of the ATM gene, results from a deletion of one nucleotide at nucleotide position 4093, causing a translational frameshift with a predicted alternate stop codon (p.L1365Sfs*21). This mutation has been identified in a pancreatic adenocarcinoma cohort (Brand R et al. Cancer, 2018 09;124:3520-3527). This variant is considered to be rare based on population cohorts in the Genome Aggregation Database (gnomAD). In addition to the clinical data presented in the literature, this alteration is expected to result in loss of function by premature protein truncation or nonsense-mediated mRNA decay. As such, this alteration is interpreted as a disease-causing mutation.

Myriad Genetics, Inc.
Classification: Pathogenic for Familial cancer of breast. Last evaluated: 2024-01-23. Review status: criteria provided, single submitter. Criteria: Myriad Autosomal Dominant, Autosomal Recessive and X-Linked Classification Criteria (2023). Collection method: clinical testing. Allele origin: unknown.
Comment: This variant is considered pathogenic. This variant creates a frameshift predicted to result in premature protein truncation.

GeneDx
Classification: Pathogenic. Last evaluated: 2023-10-20. Review status: criteria provided, single submitter. Criteria: GeneDx Variant Classification Process June 2021. Collection method: clinical testing. Allele origin: germline. Affected: yes.
Comment: Frameshift variant predicted to result in protein truncation or nonsense mediated decay in a gene for which loss of function is a known mechanism of disease; Not observed at significant frequency in large population cohorts (gnomAD); Truncating variants in this gene are considered pathogenic by a well-established clinical consortium and/or database; This variant is associated with the following publications: (PMID: 30067863)

Literature cited by the submitters: PubMed 23807571 (cited by Labcorp Genetics (formerly Invitae), Labcorp); PubMed 25614872 (cited by Labcorp Genetics (formerly Invitae), Labcorp); PubMed 30067863 (cited by Labcorp Genetics (formerly Invitae), Labcorp and Ambry Genetics).